The following is an entry in ClinVar:

NM_004006.3(DMD):c.2745A>C (p.Thr915=)

Gene: DMD (dystrophin; minus strand). Cytogenetic location: Xp21.1.
Variant type: single nucleotide variant.
Coding change: c.2745A>C on transcript NM_004006.3 (MANE Select); coding-DNA position 2745, A replaced by C.
Protein change: p.Thr915=; no amino-acid change (threonine 915 retained).
Molecular consequence: synonymous variant.
Genome position (GRCh38, 1-based): chrX:32,484,977, T>G on the plus strand (A>C on the coding strand, the complement: DMD is on the minus strand). VCF-style: chrX-32484977-T-G. GRCh37 (hg19) VCF-style: chrX-32503094-T-G.
Other names: c.2721A>C, p.Thr907= (NM_000109.4); c.2733A>C, p.Thr911= (NM_004009.3); c.2376A>C, p.Thr792= (NM_004010.3).
Identifiers: ClinVar variation 195599 (VCV000195599.24), dbSNP rs149922633, ClinGen allele CA201846.

ClinVar aggregate classification (germline): Benign/Likely benign. Review status: criteria provided, multiple submitters, no conflicts (2 of 4 stars). 9 submissions from 9 submitters: Benign (5); Likely benign (3). 1 of the submissions does not count toward it. Last evaluated 2026-02-04.

Conditions:
Becker muscular dystrophy (BMD). Also called: Becker Muscular Dystrophy (BMD); MUSCULAR DYSTROPHY, PSEUDOHYPERTROPHIC PROGRESSIVE, BECKER TYPE. Identifiers: Orphanet 98895, MedGen C0917713, MONDO:0010311, OMIM 300376.
Dystrophin deficiency.
Cardiomyopathy (CMYO). Also called: Cardiomyopathies. Identifiers: Orphanet 167848, MedGen C0878544, MONDO:0004994, HP:0001638. Inheritance: Various modes of inheritance.
Duchenne muscular dystrophy (DMD). Also called: Duchenne Muscular Dystrophy (DMD); MUSCULAR DYSTROPHY, PSEUDOHYPERTROPHIC PROGRESSIVE, DUCHENNE TYPE. Identifiers: Orphanet 98896, MedGen C0013264, MONDO:0010679, OMIM 310200.
Cardiovascular phenotype. Identifiers: MedGen CN230736.

Allele frequency attached by ClinVar (database versions not stated): gnomAD exomes 0.00034; ExAC 0.00042; ESP Exome Variant Server 0.00104; gnomAD 0.00104 and 0.00113; TOPMed 0.00128; 1000 Genomes Project 0.00212; 1000 Genomes Project 30x 0.00229.
gnomAD v4.1: 276 of 1,210,031 alleles (0.023%); highest among the groups gnomAD compares: African/African-American, 0.4%; 1 homozygote.

Submissions (9):

Labcorp Genetics (formerly Invitae), Labcorp
Classification: Benign for Duchenne muscular dystrophy. Last evaluated: 2026-02-04. Review status: criteria provided, single submitter. Criteria: Invitae Variant Classification Sherloc (09022015). Collection method: clinical testing. Allele origin: germline.

Women's Health and Genetics/Laboratory Corporation of America, LabCorp
Classification: Benign. Last evaluated: 2025-06-20. Review status: criteria provided, single submitter. Criteria: LabCorp Variant Classification Summary - May 2015. Collection method: clinical testing. Allele origin: germline.

Molecular Diagnostic Laboratory for Inherited Cardiovascular Disease, Montreal Heart Institute
Classification: Benign. Last evaluated: 2025-04-09. Review status: criteria provided, single submitter. Criteria: ACMG Guidelines, 2015. Collection method: clinical testing. Allele origin: germline. Affected: no.

ARUP Laboratories, Molecular Genetics and Genomics, ARUP Laboratories
Classification: Likely benign. Last evaluated: 2023-09-28. Review status: criteria provided, single submitter. Criteria: ARUP Molecular Germline Variant Investigation Process 2024. Collection method: clinical testing. Allele origin: germline.

Blueprint Genetics
Classification: Benign. Last evaluated: 2023-08-17. Review status: criteria provided, single submitter. Criteria: ACMG Guidelines, 2015. Collection method: clinical testing. Allele origin: germline.

Ambry Genetics
Classification: Likely benign for Cardiovascular phenotype. Last evaluated: 2016-06-27. Review status: criteria provided, single submitter. Criteria: Ambry Variant Classification Scheme 2023. Collection method: clinical testing. Allele origin: germline.

GeneDx
Classification: Benign. Last evaluated: 2015-04-30. Review status: criteria provided, single submitter. Criteria: GeneDx Variant Classification (06012015). Collection method: clinical testing. Allele origin: germline. Affected: yes.
Comment: This variant is considered likely benign or benign based on one or more of the following criteria: it is a conservative change, it occurs at a poorly conserved position in the protein, it is predicted to be benign by multiple in silico algorithms, and/or has population frequency not consistent with disease.

Eurofins Ntd Llc (ga)
Classification: Likely benign. Last evaluated: 2015-02-12. Review status: criteria provided, single submitter. Criteria: EGL Classification Definitions 2015. Collection method: clinical testing. Allele origin: germline. Observed: 1 variant allele, 1 hemizygote.

Natera, Inc.
Classification: Likely benign for Becker muscular dystrophy; Cardiomyopathy; Duchenne muscular dystrophy; Dystrophin deficiency. Last evaluated: 2017-04-20. Review status: no assertion criteria provided. Collection method: clinical testing. Allele origin: germline. Not counted in ClinVar's aggregate classification.